The following is an entry in ClinVar:

NM_021098.3(CACNA1H):c.547A>G (p.Met183Val)

Gene: CACNA1H (calcium voltage-gated channel subunit alpha1 H; plus strand). Cytogenetic location: 16p13.3.
Variant type: single nucleotide variant.
Coding change: c.547A>G on transcript NM_021098.3 (MANE Select); coding-DNA position 547, A replaced by G.
Protein change: p.Met183Val; replaces methionine 183 with valine.
Molecular consequence: missense variant.
Genome position (GRCh38, 1-based): chr16:1,195,927, A>G. VCF-style: chr16-1195927-A-G. GRCh37 (hg19) VCF-style: chr16-1245927-A-G.
Other names: c.547A>G, p.Met183Val (NM_001005407.2); short protein forms M183V.
Identifiers: ClinVar variation 3750892 (VCV003750892.2).

ClinVar aggregate classification (germline): Uncertain significance (1 of 4 stars; one submission).

Conditions:
Idiopathic generalized epilepsy. Also called: EIG; Generalised epilepsy. Identifiers: MedGen C0270850, MONDO:0005579, OMIM 600669.
Hyperaldosteronism, familial, type IV (HALD4). Also called: FH IV; ALDOSTERONISM, PRIMARY, AND HYPERTENSION. Identifiers: Orphanet 642671, MedGen C4310756, MONDO:0014875, OMIM 617027.

Submission:

Labcorp Genetics (formerly Invitae), Labcorp
Classification: Uncertain significance for Idiopathic generalized epilepsy; Hyperaldosteronism, familial, type IV. Last evaluated: 2024-04-25. Review status: criteria provided, single submitter. Criteria: Invitae Variant Classification Sherloc (09022015). Collection method: clinical testing. Allele origin: germline.
Comment: This sequence change replaces methionine, which is neutral and non-polar, with valine, which is neutral and non-polar, at codon 183 of the CACNA1H protein (p.Met183Val). This variant is not present in population databases (gnomAD no frequency). This variant has not been reported in the literature in individuals affected with CACNA1H-related conditions. An algorithm developed to predict the effect of missense changes on protein structure and function (PolyPhen-2) suggests that this variant is likely to be disruptive. In summary, the available evidence is currently insufficient to determine the role of this variant in disease. Therefore, it has been classified as a Variant of Uncertain Significance.